The following is an entry in ClinVar:

ClinVar aggregate classification (germline): Pathogenic. Review status: criteria provided, multiple submitters, no conflicts (2 of 4 stars). 2 submissions from 2 submitters: Pathogenic (2). Last evaluated 2025-01-07.

Conditions:
Curry-Hall syndrome (WAD). Also called: WEYERS ACRODENTAL DYSOSTOSIS. Identifiers: Orphanet 952, MedGen C0457013, MONDO:0008673, OMIM 193530.
Ellis-van Creveld syndrome (EVC). Also called: EVC-Related Ellis-van Creveld Syndrome; EVC2-Related Ellis-van Creveld Syndrome; Chondroectodermal dysplasia; MESOECTODERMAL DYSPLASIA. Identifiers: Orphanet 289, MedGen C0013903, MONDO:0009162, OMIM 225500.

Submissions (2):

Women's Health and Genetics/Laboratory Corporation of America, LabCorp
Classification: Pathogenic for Ellis-van Creveld syndrome. Last evaluated: 2025-01-07. Review status: criteria provided, single submitter. Criteria: LabCorp Variant Classification Summary - May 2015. Collection method: clinical testing. Allele origin: germline.
Comment: Variant summary: EVC2 c.2944_2945delCT (p.Leu982ValfsX21) results in a premature termination codon, predicted to cause a truncation of the encoded protein or absence of the protein due to nonsense mediated decay, which are commonly known mechanisms for disease. The variant was absent in 251428 control chromosomes. To our knowledge, no occurrence of c.2944_2945delCT in individuals affected with Ellis-van Creveld syndrome and no experimental evidence demonstrating its impact on protein function have been reported. ClinVar contains an entry for this variant (Variation ID: 2416026). Based on the evidence outlined above, the variant was classified as pathogenic.

Labcorp Genetics (formerly Invitae), Labcorp
Classification: Pathogenic for Curry-Hall syndrome; Ellis-van Creveld syndrome. Last evaluated: 2023-12-28. Review status: criteria provided, single submitter. Criteria: Invitae Variant Classification Sherloc (09022015). Collection method: clinical testing. Allele origin: germline.
Comment: This sequence change creates a premature translational stop signal (p.Leu982Valfs*21) in the EVC2 gene. It is expected to result in an absent or disrupted protein product. Loss-of-function variants in EVC2 are known to be pathogenic (PMID: 17024374, 19810119, 19876929). This variant is not present in population databases (gnomAD no frequency). This variant has not been reported in the literature in individuals affected with EVC2-related conditions. For these reasons, this variant has been classified as Pathogenic.

Literature cited by the submitters: PubMed 17024374 (cited by Labcorp Genetics (formerly Invitae), Labcorp); PubMed 19810119 (cited by Labcorp Genetics (formerly Invitae), Labcorp); PubMed 19876929 (cited by Labcorp Genetics (formerly Invitae), Labcorp).

NM_147127.5(EVC2):c.2944_2945del (p.Leu982fs)

Gene: EVC2 (EvC ciliary complex subunit 2; minus strand). Cytogenetic location: 4p16.2.
Variant type: Microsatellite.
Coding change: c.2944_2945del on transcript NM_147127.5 (MANE Select); coding-DNA positions 2944 to 2945, 2 bases deleted (CT; older notation c.2944_2945delCT).
Protein change: p.Leu982fs; shifts the reading frame from leucine 982.
Molecular consequence: frameshift variant.
Genome position (GRCh38, 1-based): chr4:5,584,735-5,584,736, AG deleted on the plus strand (CT on the coding strand, the reverse complement: EVC2 is on the minus strand); deleting any 2 consecutive bases within chr4:5,584,735-5,584,738 gives the same sequence; the c. name uses the placement nearest the transcript's 3' end. VCF-style (leftmost placement, unchanged base first): chr4-5584734-CAG-C. GRCh37 (hg19) VCF-style: chr4-5586461-CAG-C.
Other names: c.2944_2945delCT (NM_147127.5); c.2704_2705del, p.Leu902fs (NM_001166136.2); short protein forms L902fs, L982fs.
Identifiers: ClinVar variation 2416026 (VCV002416026.7), dbSNP rs2475235794, ClinGen allele CA2578032708.
Genomic context (GRCh38, chr4:5,584,734, plus strand): 5'-AGATGCACTCAGCTCTTCCAGGAGCAAGTCCTGGATGCTGAGGAGGGCGGTGTAGGCCGA[CAG>C]AGTCTCGGTCACCCGGGACGCCTTCTGGAACTGCAGAGCAACAAGCGACTGTGCAAAGCC-3'